The following is an entry in ClinVar:

ClinVar aggregate classification (germline): Uncertain significance (1 of 4 stars; one submission).

Allele frequency attached by ClinVar (database versions not stated): TOPMed 0.00002; gnomAD 0.00003.

Submission:

Greenwood Genetic Center Diagnostic Laboratories, Greenwood Genetic Center
Classification: Uncertain significance. Last evaluated: 2024-03-21. Review status: criteria provided, single submitter. Criteria: ACMG Guidelines, 2015. Collection method: clinical testing. Allele origin: germline. Affected: yes.
Comment: PM2

NM_001080397.3(SLC45A1):c.1520T>C (p.Leu507Pro)

Gene: SLC45A1 (solute carrier family 45 member 1; plus strand). Cytogenetic location: 1p36.23.
Variant type: single nucleotide variant.
Coding change: c.1520T>C on transcript NM_001080397.3 (MANE Select); coding-DNA position 1520, T replaced by C.
Protein change: p.Leu507Pro; replaces leucine 507 with proline.
Molecular consequence: missense variant.
Genome position (GRCh38, 1-based): chr1:8,335,513, T>C. VCF-style: chr1-8335513-T-C. GRCh37 (hg19) VCF-style: chr1-8395573-T-C.
Other names: c.1520T>C, p.Leu507Pro (NM_001379614.1); c.1427T>C, p.Leu476Pro (NM_001379615.1, NM_001379616.1); c.914T>C, p.Leu305Pro (NM_001379617.1, NM_001379618.1); short protein forms L305P, L476P, L507P.
Identifiers: ClinVar variation 3235804 (VCV003235804.1), dbSNP rs1343358486, ClinGen allele CA338165526.
Genomic context (GRCh38, chr1:8,335,513, plus strand): 5'-TCAACGGCGTGAAGTATGAGAGCGAGCTGACGGGCTCCAGCGAGCGCGCGGAGCAGCCTC[T>C]GTCCGTGGGGCGCCTCTGCTCCACCATCTGCAACATGCCCAAGGCGCTACGCACCCTCTG-3'
Protein context (NP_001073866.3, residues 497-517): TGSSERAEQP[Leu507Pro]SVGRLCSTIC